The following is an entry in ClinVar:

ClinVar aggregate classification (germline): Uncertain significance. Review status: criteria provided, multiple submitters, no conflicts (2 of 4 stars). 2 submissions from 2 submitters: Uncertain significance (2). Last evaluated 2025-09-02.

Conditions:
Inborn genetic diseases. Identifiers: MedGen C0950123, MeSH D030342.

Allele frequency attached by ClinVar (database versions not stated): gnomAD 0.00001; ExAC 0.00004; 1000 Genomes Project 30x 0.00016; 1000 Genomes Project 0.00020.

Submissions (2):

Labcorp Genetics (formerly Invitae), Labcorp
Classification: Uncertain significance. Last evaluated: 2025-09-02. Review status: criteria provided, single submitter. Criteria: Invitae Variant Classification Sherloc (09022015). Collection method: clinical testing. Allele origin: germline.
Comment: This sequence change replaces alanine, which is neutral and non-polar, with threonine, which is neutral and polar, at codon 293 of the TFRC protein (p.Ala293Thr). This variant is present in population databases (rs541398971, gnomAD 0.03%). This variant has not been reported in the literature in individuals affected with TFRC-related conditions. ClinVar contains an entry for this variant (Variation ID: 1423701). Invitae Evidence Modeling of protein sequence and biophysical properties (such as structural, functional, and spatial information, amino acid conservation, physicochemical variation, residue mobility, and thermodynamic stability) indicates that this missense variant is not expected to disrupt TFRC protein function with a negative predictive value of 80%. In summary, the available evidence is currently insufficient to determine the role of this variant in disease. Therefore, it has been classified as a Variant of Uncertain Significance.

Ambry Genetics
Classification: Uncertain significance for Inborn genetic diseases. Last evaluated: 2021-08-30. Review status: criteria provided, single submitter. Criteria: Ambry Variant Classification Scheme 2023. Collection method: clinical testing. Allele origin: germline.

NM_001128148.3(TFRC):c.877G>A (p.Ala293Thr)

Gene: TFRC (transferrin receptor; minus strand). Cytogenetic location: 3q29.
Variant type: single nucleotide variant.
Coding change: c.877G>A on transcript NM_001128148.3 (MANE Select); coding-DNA position 877, G replaced by A.
Protein change: p.Ala293Thr; replaces alanine 293 with threonine.
Molecular consequence: missense variant.
Genome position (GRCh38, 1-based): chr3:196,068,055, C>T on the plus strand (G>A on the coding strand, the complement: TFRC is on the minus strand). VCF-style: chr3-196068055-C-T. GRCh37 (hg19) VCF-style: chr3-195794926-C-T.
Other names: c.634G>A, p.Ala212Thr (NM_001313965.2); c.31G>A, p.Ala11Thr (NM_001313966.2); c.877G>A, p.Ala293Thr (NM_003234.4); c.877G>A (NM_003234.2); short protein forms A212T, A293T, A11T.
Identifiers: ClinVar variation 1423701 (VCV001423701.8), dbSNP rs541398971, ClinGen allele CA2778158.